The following is an entry in ClinVar:

ClinVar aggregate classification (germline): Uncertain significance. Review status: criteria provided, multiple submitters, no conflicts (2 of 4 stars). 2 submissions from 2 submitters: Uncertain significance (2). Last evaluated 2025-08-23.

Conditions:
Neuronal ceroid lipofuscinosis. Also called: Neuronal Ceroid Lipofuscinoses. Identifiers: Orphanet 216, Orphanet 79263, MedGen C0027877, MONDO:0016295. Disease mechanism: loss of function.
Inborn genetic diseases. Identifiers: MedGen C0950123, MeSH D030342.

Allele frequency attached by ClinVar (database versions not stated): gnomAD exomes below 0.00001.
gnomAD v4.1: 1 of 1,613,950 alleles (0.000062%); highest among the groups gnomAD compares: Non-Finnish European, 0.000085%; no homozygotes.

Submissions (2):

Ambry Genetics
Classification: Uncertain significance for Inborn genetic diseases. Last evaluated: 2025-08-23. Review status: criteria provided, single submitter. Criteria: Ambry Variant Classification Scheme 2023. Collection method: clinical testing. Allele origin: germline.

Labcorp Genetics (formerly Invitae), Labcorp
Classification: Uncertain significance for Neuronal ceroid lipofuscinosis. Last evaluated: 2019-12-11. Review status: criteria provided, single submitter. Criteria: Invitae Variant Classification Sherloc (09022015). Collection method: clinical testing. Allele origin: germline.
Comment: This sequence change replaces alanine with proline at codon 255 of the TPP1 protein (p.Ala255Pro). The alanine residue is moderately conserved and there is a small physicochemical difference between alanine and proline. This variant is not present in population databases (ExAC no frequency). This variant has not been reported in the literature in individuals with TPP1-related conditions. Algorithms developed to predict the effect of missense changes on protein structure and function (SIFT, PolyPhen-2, Align-GVGD) all suggest that this variant is likely to be tolerated, but these predictions have not been confirmed by published functional studies and their clinical significance is uncertain. In summary, the available evidence is currently insufficient to determine the role of this variant in disease. Therefore, it has been classified as a Variant of Uncertain Significance.

NM_000391.4(TPP1):c.763G>C (p.Ala255Pro)

Gene: TPP1 (tripeptidyl peptidase 1; minus strand). Cytogenetic location: 11p15.4.
Variant type: single nucleotide variant.
Coding change: c.763G>C on transcript NM_000391.4 (MANE Select); coding-DNA position 763, G replaced by C.
Protein change: p.Ala255Pro; replaces alanine 255 with proline.
Molecular consequence: missense variant.
Genome position (GRCh38, 1-based): chr11:6,616,784, C>G on the plus strand (G>C on the coding strand, the complement: TPP1 is on the minus strand). VCF-style: chr11-6616784-C-G. GRCh37 (hg19) VCF-style: chr11-6638015-C-G.
Other names: short protein forms A255P.
Identifiers: ClinVar variation 854120 (VCV000854120.2), dbSNP rs1356628460, ClinGen allele CA379475112.